The following is an entry in ClinVar:

ClinVar aggregate classification (germline): Uncertain significance (1 of 4 stars; one submission).

Submission:

Women's Health and Genetics/Laboratory Corporation of America, LabCorp
Classification: Uncertain significance. Last evaluated: 2025-11-21. Review status: criteria provided, single submitter. Criteria: LabCorp Variant Classification Summary - May 2015. Collection method: clinical testing. Allele origin: germline.
Comment: Variant summary: CNOT2 c.1179-10C>A alters a nucleotide located at a position not widely known to affect splicing. Several computational tools predict a significant impact on normal splicing: Three predict the variant weakens a 3' acceptor site. However, these predictions have yet to be confirmed by functional studies. The variant was absent in 250650 control chromosomes. The available data on variant occurrences in the general population are insufficient to allow any conclusion about variant significance. To our knowledge, no occurrence of c.1179-10C>A in individuals affected with CNOT2-related conditions and no experimental evidence demonstrating its impact on protein function have been reported. No submitters have cited clinical-significance assessments for this variant to ClinVar. Based on the evidence outlined above, the variant was classified as uncertain significance.

NM_014515.7(CNOT2):c.1179-10C>A

Gene: CNOT2 (CCR4-NOT transcription complex subunit 2; plus strand). Cytogenetic location: 12q15.
Variant type: single nucleotide variant.
Coding change: c.1179-10C>A on transcript NM_014515.7 (MANE Select); 10 bases into the intron before coding-DNA position 1179, C replaced by A.
Molecular consequence: intron variant.
Genome position (GRCh38, 1-based): chr12:70,342,097, C>A. VCF-style: chr12-70342097-C-A. GRCh37 (hg19) VCF-style: chr12-70735877-C-A.
Other names: c.1179-10C>A (NM_001199302.2, NM_001414652.1, NM_001199303.2 and 1 more transcripts); c.1152-10C>A (NM_001414655.1, NM_001414653.1, NM_001414654.1); c.1119-10C>A (NM_001414660.1, NM_001414657.1, NM_001414659.1 and 1 more transcripts); c.996-10C>A (NM_001414662.1); c.1137-10C>A (NM_001414656.1); c.1056-10C>A (NM_001414661.1).
Identifiers: ClinVar variation 4537260 (VCV004537260.1).